The following is an entry in ClinVar:

ClinVar aggregate classification (germline): Uncertain significance (1 of 4 stars; one submission).

Conditions:
EGFR-related lung cancer (EGFR). Identifiers: MedGen CN130014.

Submission:

Labcorp Genetics (formerly Invitae), Labcorp
Classification: Uncertain significance for EGFR-related lung cancer. Last evaluated: 2025-09-14. Review status: criteria provided, single submitter. Criteria: Invitae Variant Classification Sherloc (09022015). Collection method: clinical testing. Allele origin: germline.
Comment: This sequence change replaces glutamine, which is neutral and polar, with histidine, which is basic and polar, at codon 40 of the EGFR protein (p.Gln40His). This variant is not present in population databases (gnomAD no frequency). This variant has not been reported in the literature in individuals affected with EGFR-related conditions. Invitae Evidence Modeling of protein sequence and biophysical properties (such as structural, functional, and spatial information, amino acid conservation, physicochemical variation, residue mobility, and thermodynamic stability) indicates that this missense variant is not expected to disrupt EGFR protein function with a negative predictive value of 80%. In summary, the available evidence is currently insufficient to determine the role of this variant in disease. Therefore, it has been classified as a Variant of Uncertain Significance.

NM_005228.5(EGFR):c.120G>T (p.Gln40His)

Gene: EGFR (epidermal growth factor receptor; plus strand). Cytogenetic location: 7p11.2.
Variant type: single nucleotide variant.
Coding change: c.120G>T on transcript NM_005228.5 (MANE Select); coding-DNA position 120, G replaced by T.
Protein change: p.Gln40His; replaces glutamine 40 with histidine.
Molecular consequence: missense variant. On other transcripts: 5 prime UTR variant (1), intron variant (1).
Genome position (GRCh38, 1-based): chr7:55,142,317, G>T. VCF-style: chr7-55142317-G-T. GRCh37 (hg19) VCF-style: chr7-55210010-G-T.
Other names: c.120G>T, p.Gln40His (NM_001346897.2, NM_001346898.2, NM_001346899.2 and 3 more transcripts); c.-40G>T (NM_001346900.2); c.89-13513G>T (NM_001346941.2); short protein forms Q40H.
Identifiers: ClinVar variation 4742218 (VCV004742218.1).